The following is an entry in ClinVar:

NM_001101362.3(KBTBD13):c.655G>A (p.Gly219Ser)

Gene: KBTBD13 (kelch repeat and BTB domain containing 13; plus strand). Cytogenetic location: 15q22.31.
Variant type: single nucleotide variant.
Coding change: c.655G>A on transcript NM_001101362.3 (MANE Select); coding-DNA position 655, G replaced by A.
Protein change: p.Gly219Ser; replaces glycine 219 with serine.
Molecular consequence: missense variant.
Genome position (GRCh38, 1-based): chr15:65,077,470, G>A. VCF-style: chr15-65077470-G-A. GRCh37 (hg19) VCF-style: chr15-65369808-G-A.
Other names: short protein forms G219S.
Identifiers: ClinVar variation 2574507 (VCV002574507.1), dbSNP rs1445871675, ClinGen allele CA392862051.
Genomic context (GRCh38, chr15:65,077,470, plus strand): 5'-ACGTTGCTGGCCGGGGTGGCCACGCTGGGCAACAAGCTTTACATCGTGGGGGGCGTGCGC[G>A]GCGCCAGCAAGGAGGTGGTAGAGCTGGGCTTCTGCTACGACCCCGACGGCGGCACGTGGC-3'
Protein context (NP_001094832.1, residues 209-229): NKLYIVGGVR[Gly219Ser]ASKEVVELGF

ClinVar aggregate classification (germline): Uncertain significance (1 of 4 stars; one submission).

Submission:

GeneDx
Classification: Uncertain significance. Last evaluated: 2023-01-29. Review status: criteria provided, single submitter. Criteria: GeneDx Variant Classification Process June 2021. Collection method: clinical testing. Allele origin: germline. Affected: yes.
Comment: Not observed at significant frequency in large population cohorts (gnomAD); In silico analysis supports that this missense variant does not alter protein structure/function; Has not been previously published as pathogenic or benign to our knowledge; This variant is associated with the following publications: (PMID: 22542517)